The following is an entry in ClinVar:

ClinVar aggregate classification (germline): Uncertain significance (1 of 4 stars; one submission).

Allele frequency attached by ClinVar (database versions not stated): gnomAD exomes below 0.00001; ExAC 0.00001; TOPMed 0.00002.
gnomAD v4.1: 1 of 1,614,164 alleles (0.000062%); highest among the groups gnomAD compares: Admixed American, 0.0017%; no homozygotes.

Submission:

Labcorp Genetics (formerly Invitae), Labcorp
Classification: Uncertain significance. Last evaluated: 2022-06-05. Review status: criteria provided, single submitter. Criteria: Invitae Variant Classification Sherloc (09022015). Collection method: clinical testing. Allele origin: germline.
Comment: In summary, the available evidence is currently insufficient to determine the role of this variant in disease. Therefore, it has been classified as a Variant of Uncertain Significance. Algorithms developed to predict the effect of missense changes on protein structure and function (SIFT, PolyPhen-2, Align-GVGD) all suggest that this variant is likely to be tolerated. This variant has not been reported in the literature in individuals affected with DHX38-related conditions. This variant is present in population databases (rs748267362, gnomAD 0.003%). This sequence change replaces threonine, which is neutral and polar, with isoleucine, which is neutral and non-polar, at codon 942 of the DHX38 protein (p.Thr942Ile).

NM_014003.4(DHX38):c.2825C>T (p.Thr942Ile)

Genes: DHX38 (DEAH-box helicase 38; plus strand), LOC126862391 (CDK7 strongly-dependent group 2 enhancer GRCh37_chr16:72141414-72142613; plus strand). Cytogenetic location: 16q22.2.
Variant type: single nucleotide variant.
Coding change: c.2825C>T on transcript NM_014003.4 (MANE Select); coding-DNA position 2825, C replaced by T.
Protein change: p.Thr942Ile; replaces threonine 942 with isoleucine.
Molecular consequence: missense variant.
Genome position (GRCh38, 1-based): chr16:72,107,660, C>T. VCF-style: chr16-72107660-C-T. GRCh37 (hg19) VCF-style: chr16-72141559-C-T.
Other names: short protein forms T942I.
Identifiers: ClinVar variation 2023275 (VCV002023275.4), dbSNP rs748267362, ClinGen allele CA8160783.